The following is an entry in ClinVar:

NM_002471.4(MYH6):c.3073T>A (p.Ser1025Thr)

Gene: MYH6 (myosin heavy chain 6; minus strand). Cytogenetic location: 14q11.2.
Variant type: single nucleotide variant.
Coding change: c.3073T>A on transcript NM_002471.4 (MANE Select); coding-DNA position 3073, T replaced by A.
Protein change: p.Ser1025Thr; replaces serine 1025 with threonine.
Molecular consequence: missense variant.
Genome position (GRCh38, 1-based): chr14:23,393,374, A>T on the plus strand (T>A on the coding strand, the complement: MYH6 is on the minus strand). VCF-style: chr14-23393374-A-T. GRCh37 (hg19) VCF-style: chr14-23862583-A-T.
Other names: short protein forms S1025T.
Identifiers: ClinVar variation 570936 (VCV000570936.12), dbSNP rs371209775, ClinGen allele CA7115319.
Genomic context (GRCh38, chr14:23,393,374, plus strand): 5'-GAGCAGGAGCATGGTTCTTACTACTCACATCATCCACCTGCTGCTCCAGCTTGACCTTAG[A>T]CTTGGACAGGCTGTTGACCTTGTCTTCCTCAACCTGAAGGTCATCCAGGGCCTGCTGATG-3'
Protein context (NP_002462.2, residues 1015-1035): EEDKVNSLSK[Ser1025Thr]KVKLEQQVDD

ClinVar aggregate classification (germline): Uncertain significance. Review status: criteria provided, multiple submitters, no conflicts (2 of 4 stars). 2 submissions from 2 submitters: Uncertain significance (2). Last evaluated 2025-08-20.

Conditions:
Hypertrophic cardiomyopathy 14. Identifiers: MedGen C2750467, MONDO:0013197, OMIM 613251.
Cardiovascular phenotype. Identifiers: MedGen CN230736.

Allele frequency attached by ClinVar (database versions not stated): ExAC 0.00002; gnomAD 0.00002; gnomAD exomes 0.00002 and 0.00003; TOPMed 0.00003; ESP Exome Variant Server 0.00008.
gnomAD v4.1: 31 of 1,613,932 alleles (0.0019%); highest among the groups gnomAD compares: Admixed American, 0.0083%; no homozygotes.

Submissions (2):

Ambry Genetics
Classification: Uncertain significance for Cardiovascular phenotype. Last evaluated: 2025-08-20. Review status: criteria provided, single submitter. Criteria: Ambry Variant Classification Scheme 2023. Collection method: clinical testing. Allele origin: germline.

Labcorp Genetics (formerly Invitae), Labcorp
Classification: Uncertain significance for Hypertrophic cardiomyopathy 14. Last evaluated: 2025-03-07. Review status: criteria provided, single submitter. Criteria: Invitae Variant Classification Sherloc (09022015). Collection method: clinical testing. Allele origin: germline.
Comment: This sequence change replaces serine, which is neutral and polar, with threonine, which is neutral and polar, at codon 1025 of the MYH6 protein (p.Ser1025Thr). This variant is present in population databases (rs371209775, gnomAD 0.009%). This variant has not been reported in the literature in individuals affected with MYH6-related conditions. ClinVar contains an entry for this variant (Variation ID: 570936). Invitae Evidence Modeling of protein sequence and biophysical properties (such as structural, functional, and spatial information, amino acid conservation, physicochemical variation, residue mobility, and thermodynamic stability) indicates that this missense variant is not expected to disrupt MYH6 protein function with a negative predictive value of 80%. In summary, the available evidence is currently insufficient to determine the role of this variant in disease. Therefore, it has been classified as a Variant of Uncertain Significance.